The following is an entry in ClinVar:

ClinVar aggregate classification (germline): Uncertain significance (1 of 4 stars; one submission).

Conditions:
Fibrous dysplasia of jaw (CRBM). Also called: Cherubism. Identifiers: Orphanet 184, MedGen C0008029, MONDO:0007315, OMIM 118400.

Allele frequency attached by ClinVar (database versions not stated): gnomAD 0.00001 and 0.00003; gnomAD exomes 0.00002 and 0.00003; ExAC 0.00003; 1000 Genomes Project 0.00060; 1000 Genomes Project 30x 0.00062.
gnomAD v4.1: 32 of 1,613,280 alleles (0.002%); highest among the groups gnomAD compares: East Asian, 0.0022%; no homozygotes.

Submission:

Labcorp Genetics (formerly Invitae), Labcorp
Classification: Uncertain significance for Fibrous dysplasia of jaw. Last evaluated: 2025-08-01. Review status: criteria provided, single submitter. Criteria: Invitae Variant Classification Sherloc (09022015). Collection method: clinical testing. Allele origin: germline.
Comment: This sequence change replaces arginine, which is basic and polar, with tryptophan, which is neutral and slightly polar, at codon 222 of the SH3BP2 protein (p.Arg222Trp). This variant is present in population databases (rs201459890, gnomAD 0.006%). This variant has not been reported in the literature in individuals affected with SH3BP2-related conditions. ClinVar contains an entry for this variant (Variation ID: 1367608). Invitae Evidence Modeling of protein sequence and biophysical properties (such as structural, functional, and spatial information, amino acid conservation, physicochemical variation, residue mobility, and thermodynamic stability) indicates that this missense variant is not expected to disrupt SH3BP2 protein function with a negative predictive value of 95%. In summary, the available evidence is currently insufficient to determine the role of this variant in disease. Therefore, it has been classified as a Variant of Uncertain Significance.

NM_001122681.2(SH3BP2):c.664C>T (p.Arg222Trp)

Gene: SH3BP2 (SH3 domain binding protein 2; plus strand). Cytogenetic location: 4p16.3.
Variant type: single nucleotide variant.
Coding change: c.664C>T on transcript NM_001122681.2 (MANE Select); coding-DNA position 664, C replaced by T.
Protein change: p.Arg222Trp; replaces arginine 222 with tryptophan.
Molecular consequence: missense variant.
Genome position (GRCh38, 1-based): chr4:2,829,570, C>T. VCF-style: chr4-2829570-C-T. GRCh37 (hg19) VCF-style: chr4-2831297-C-T.
Other names: c.748C>T, p.Arg250Trp (NM_001145855.2); c.835C>T, p.Arg279Trp (NM_001145856.2); c.664C>T, p.Arg222Trp (NM_003023.4); short protein forms R250W, R279W, R222W.
Identifiers: ClinVar variation 1367608 (VCV001367608.8), dbSNP rs201459890, ClinGen allele CA2819292.